The following is an entry in ClinVar:

NM_020762.4(SRGAP1):c.1137G>A (p.Thr379=)

Gene: SRGAP1 (SLIT-ROBO Rho GTPase activating protein 1; plus strand). Cytogenetic location: 12q14.2.
Variant type: single nucleotide variant.
Coding change: c.1137G>A on transcript NM_020762.4 (MANE Select); coding-DNA position 1137, G replaced by A.
Protein change: p.Thr379=; no amino-acid change (threonine 379 retained).
Molecular consequence: synonymous variant.
Genome position (GRCh38, 1-based): chr12:64,078,930, G>A. VCF-style: chr12-64078930-G-A. GRCh37 (hg19) VCF-style: chr12-64472710-G-A.
Other names: c.1137G>A, p.Thr379= (NM_001346201.2); c.1137G>A (NM_020762.3).
Identifiers: ClinVar variation 779528 (VCV000779528.7), dbSNP rs61756190, ClinGen allele CA6666575.

ClinVar aggregate classification (germline): Benign. Review status: criteria provided, multiple submitters, no conflicts (2 of 4 stars). 3 submissions from 3 submitters: Benign (2). 1 of the submissions does not count toward it. Last evaluated 2019-12-31.

Conditions:
SRGAP1-related disorder. Also called: SRGAP1-related condition.

Allele frequency attached by ClinVar (database versions not stated): gnomAD 0.00830 and 0.00882; TOPMed 0.00940; 1000 Genomes Project 0.00958; ESP Exome Variant Server 0.00992; 1000 Genomes Project 30x 0.01062.
gnomAD v4.1: 2,518 of 1,613,380 alleles (0.16%); highest among the groups gnomAD compares: African/African-American, 2.9%; 35 homozygotes.

Submissions (3):

Labcorp Genetics (formerly Invitae), Labcorp
Classification: Benign. Last evaluated: 2019-12-31. Review status: criteria provided, single submitter. Criteria: Invitae Variant Classification Sherloc (09022015). Collection method: clinical testing. Allele origin: germline.

Breakthrough Genomics
Classification: Benign. Review status: criteria provided, single submitter. Criteria: ACMG Guidelines, 2015. Collection method: not provided. Allele origin: germline. Inheritance: Autosomal dominant inheritance. Affected: yes.

PreventionGenetics, part of Exact Sciences
Classification: Benign for SRGAP1-related condition. Last evaluated: 2019-04-12. Review status: no assertion criteria provided. Collection method: clinical testing. Allele origin: germline. Not counted in ClinVar's aggregate classification.
Comment: This variant is classified as benign based on ACMG/AMP sequence variant interpretation guidelines (Richards et al. 2015 PMID: 25741868, with internal and published modifications).